The following is an entry in ClinVar:

ClinVar aggregate classification (germline): Uncertain significance. Review status: criteria provided, multiple submitters, no conflicts (2 of 4 stars). 2 submissions from 2 submitters: Uncertain significance (2). Last evaluated 2026-06-02.

Conditions:
Cardiovascular phenotype. Identifiers: MedGen CN230736.
Walker-Warburg congenital muscular dystrophy. Also called: Muscular dystrophy-dystroglycanopathy, type A; Walker-Warburg syndrome. Identifiers: Orphanet 899, MedGen C0265221, MONDO:0000171.

Submissions (2):

Ambry Genetics
Classification: Uncertain significance for Cardiovascular phenotype. Last evaluated: 2026-06-02. Review status: criteria provided, single submitter. Criteria: Ambry Variant Classification Scheme 2023. Collection method: clinical testing. Allele origin: germline.
Comment: The p.N182T variant (also known as c.545A>C), located in coding exon 4 of the FKTN gene, results from an A to C substitution at nucleotide position 545. The asparagine at codon 182 is replaced by threonine, an amino acid with similar properties. This variant was reported in a cohort of individuals with sudden cardiac arrest (Grondin S et al. Eur Heart J, 2022 Aug;43:3071-3081). This amino acid position is highly conserved in available vertebrate species. In addition, the in silico prediction for this alteration is inconclusive. Based on the available evidence, the clinical significance of this variant remains unclear.

Labcorp Genetics (formerly Invitae), Labcorp
Classification: Uncertain significance for Walker-Warburg congenital muscular dystrophy. Last evaluated: 2025-01-23. Review status: criteria provided, single submitter. Criteria: Invitae Variant Classification Sherloc (09022015). Collection method: clinical testing. Allele origin: germline.
Comment: This sequence change replaces asparagine, which is neutral and polar, with threonine, which is neutral and polar, at codon 182 of the FKTN protein (p.Asn182Thr). This variant is not present in population databases (gnomAD no frequency). This missense change has been observed in individual(s) with unexplained cardiac arrest (PMID: 35352813). ClinVar contains an entry for this variant (Variation ID: 1521476). Invitae Evidence Modeling of protein sequence and biophysical properties (such as structural, functional, and spatial information, amino acid conservation, physicochemical variation, residue mobility, and thermodynamic stability) has been performed for this missense variant. However, the output from this modeling did not meet the statistical confidence thresholds required to predict the impact of this variant on FKTN protein function. In summary, the available evidence is currently insufficient to determine the role of this variant in disease. Therefore, it has been classified as a Variant of Uncertain Significance.

Literature cited by the submitters: PubMed 35352813 (cited by Ambry Genetics and Labcorp Genetics (formerly Invitae), Labcorp).

NM_001079802.2(FKTN):c.545A>C (p.Asn182Thr)

Gene: FKTN (fukutin; plus strand). Cytogenetic location: 9q31.2.
Variant type: single nucleotide variant.
Coding change: c.545A>C on transcript NM_001079802.2 (MANE Select); coding-DNA position 545, A replaced by C.
Protein change: p.Asn182Thr; replaces asparagine 182 with threonine.
Molecular consequence: missense variant. On other transcripts: non-coding transcript variant (2).
Genome position (GRCh38, 1-based): chr9:105,604,390, A>C. VCF-style: chr9-105604390-A-C. GRCh37 (hg19) VCF-style: chr9-108366671-A-C.
Other names: c.545A>C, p.Asn182Thr (NM_001198963.2, NM_001351496.2, NM_001351498.2 and 1 more transcripts); c.476A>C, p.Asn159Thr (NM_001351497.2); c.149A>C, p.Asn50Thr (NM_001351499.2, NM_001351500.2, NM_001351501.2 and 1 more transcripts); c.545A>C (NM_001079802.1); short protein forms N159T, N182T, N50T.
Identifiers: ClinVar variation 1521476 (VCV001521476.6), dbSNP rs760170065, ClinGen allele CA374332220.